The following is an entry in ClinVar:

NM_001164508.2(NEB):c.9366C>A (p.Asp3122Glu)

Gene: NEB (nebulin; minus strand). Cytogenetic location: 2q23.3.
Variant type: single nucleotide variant.
Coding change: c.9366C>A on transcript NM_001164508.2 (MANE Select); coding-DNA position 9366, C replaced by A.
Protein change: p.Asp3122Glu; replaces aspartic acid 3122 with glutamic acid.
Molecular consequence: missense variant. On other transcripts: intron variant (1).
Genome position (GRCh38, 1-based): chr2:151,633,702, G>T on the plus strand (C>A on the coding strand, the complement: NEB is on the minus strand). VCF-style: chr2-151633702-G-T. GRCh37 (hg19) VCF-style: chr2-152490216-G-T.
Other names: c.9366C>A, p.Asp3122Glu (NM_001164507.2, NM_001271208.2); c.8854-2524C>A (NM_004543.5); short protein forms D3122E.
Identifiers: ClinVar variation 1356058 (VCV001356058.7), dbSNP rs1271867113, ClinGen allele CA348802793.

ClinVar aggregate classification (germline): Uncertain significance. Review status: criteria provided, multiple submitters, no conflicts (2 of 4 stars). 2 submissions from 2 submitters: Uncertain significance (2). Last evaluated 2025-09-15.

Conditions:
Nemaline myopathy 2 (NEM2). Also called: Nemaline myopathy 2, autosomal recessive. Identifiers: MedGen C1850569, MONDO:0009725, OMIM 256030.

Allele frequency attached by ClinVar (database versions not stated): gnomAD exomes below 0.00001; gnomAD 0.00003; TOPMed 0.00004.
gnomAD v4.1: 8 of 1,613,776 alleles (0.0005%); highest among the groups gnomAD compares: African/African-American, 0.011%; no homozygotes.

Submissions (2):

Labcorp Genetics (formerly Invitae), Labcorp
Classification: Uncertain significance for Nemaline myopathy 2. Last evaluated: 2025-09-15. Review status: criteria provided, single submitter. Criteria: Invitae Variant Classification Sherloc (09022015). Collection method: clinical testing. Allele origin: germline.
Comment: This sequence change replaces aspartic acid, which is acidic and polar, with glutamic acid, which is acidic and polar, at codon 3122 of the NEB protein (p.Asp3122Glu). This variant is present in population databases (no rsID available, gnomAD 0.007%). This variant has not been reported in the literature in individuals affected with NEB-related conditions. ClinVar contains an entry for this variant (Variation ID: 1356058). Experimental studies and prediction algorithms are not available or were not evaluated, and the functional significance of this variant is currently unknown. In summary, the available evidence is currently insufficient to determine the role of this variant in disease. Therefore, it has been classified as a Variant of Uncertain Significance.

Revvity Omics, Revvity
Classification: Uncertain significance. Last evaluated: 2025-01-21. Review status: criteria provided, single submitter. Criteria: ACMG Guidelines, 2015. Collection method: clinical testing. Allele origin: germline.